The following is an entry in ClinVar:

NM_007186.6(CEP250):c.5970G>T (p.Leu1990Phe)

Gene: CEP250 (centrosomal protein 250; plus strand). Cytogenetic location: 20q11.22.
Variant type: single nucleotide variant.
Coding change: c.5970G>T on transcript NM_007186.6 (MANE Select); coding-DNA position 5970, G replaced by T.
Protein change: p.Leu1990Phe; replaces leucine 1990 with phenylalanine.
Molecular consequence: missense variant.
Genome position (GRCh38, 1-based): chr20:35,504,339, G>T. VCF-style: chr20-35504339-G-T. GRCh37 (hg19) VCF-style: chr20-34092167-G-T.
Other names: c.4074G>T, p.Leu1358Phe (NM_001318219.1); short protein forms L1358F, L1990F.
Identifiers: ClinVar variation 959726 (VCV000959726.7), dbSNP rs1279155153, ClinGen allele CA408755407.
Genomic context (GRCh38, chr20:35,504,339, plus strand): 5'-TGGCAAGGCTCATGCTGCCCTGCAGGGGAAAGAGCAGCATCTCCTCGAGCAGGCAGAATT[G>T]AGCCGCAGTCTGGAGGCCAGCACTGCAACCCTGCAAGCCTCCCTGGATGCCTGCCAGGCA-3'
Protein context (NP_009117.2, residues 1980-2000): KEQHLLEQAE[Leu1990Phe]SRSLEASTAT

ClinVar aggregate classification (germline): Uncertain significance (1 of 4 stars; one submission).

Allele frequency attached by ClinVar (database versions not stated): TOPMed below 0.00001; gnomAD 0.00001; gnomAD exomes 0.00002.
gnomAD v4.1: 32 of 1,593,020 alleles (0.002%); highest among the groups gnomAD compares: Non-Finnish European, 0.0025%; no homozygotes.

Submission:

Labcorp Genetics (formerly Invitae), Labcorp
Classification: Uncertain significance. Last evaluated: 2022-08-31. Review status: criteria provided, single submitter. Criteria: Invitae Variant Classification Sherloc (09022015). Collection method: clinical testing. Allele origin: germline.
Comment: This sequence change replaces leucine, which is neutral and non-polar, with phenylalanine, which is neutral and non-polar, at codon 1990 of the CEP250 protein (p.Leu1990Phe). This variant is not present in population databases (gnomAD no frequency). This variant has not been reported in the literature in individuals affected with CEP250-related conditions. ClinVar contains an entry for this variant (Variation ID: 959726). Algorithms developed to predict the effect of missense changes on protein structure and function are either unavailable or do not agree on the potential impact of this missense change (SIFT: "Not Available"; PolyPhen-2: "Probably Damaging"; Align-GVGD: "Not Available"). In summary, the available evidence is currently insufficient to determine the role of this variant in disease. Therefore, it has been classified as a Variant of Uncertain Significance.